The following is an entry in ClinVar:

ClinVar aggregate classification (germline): Likely pathogenic. Review status: criteria provided, multiple submitters, no conflicts (2 of 4 stars). 3 submissions from 3 submitters: Likely pathogenic (2). 1 of the submissions does not count toward it. Last evaluated 2025-08-28.

Conditions:
Beta-thalassemia HBB/LCRB. Identifiers: MedGen CN322236, MONDO:0013517, OMIM 613985.

gnomAD v4.1: 1 of 850,656 alleles (0.00012%); highest among the groups gnomAD compares: East Asian, 0.0024%; no homozygotes.

Submissions (3):

Quest Diagnostics Nichols Institute San Juan Capistrano
Classification: Likely pathogenic. Last evaluated: 2025-08-28. Review status: criteria provided, single submitter. Criteria: Quest Diagnostics criteria. Collection method: clinical testing. Allele origin: unknown.
Comment: The HBB c.*132C>T variant is located at the transcript cleavage site in the 3’-untranslated region (UTR) of the HBB gene. In the published literature, this variant has been reported in individuals with beta-thalassemia, including two individuals with beta-thalassemia intermedia phenotype who carried a beta(0)-thalassemia pathogenic variant on the opposite chromosome (PMID: 22862814 (2013), 31930713 (2020), 35023007 (2022)). Two other variants at this position, c.*132C>A and c.*132C>G, have also been reported in compound heterozygous individuals with beta-thalassemia intermedia (PMID: 36876863 (2022), 32142096 (2020)). The c.*132C>T variant has not been reported in large, multi-ethnic general populations (Genome Aggregation Database). Based on the available information, this variant is classified as likely pathogenic.

Labcorp Genetics (formerly Invitae), Labcorp
Classification: Likely pathogenic. Last evaluated: 2022-08-09. Review status: criteria provided, single submitter. Criteria: Invitae Variant Classification Sherloc (09022015). Collection method: clinical testing. Allele origin: germline.
Comment: In summary, the currently available evidence indicates that the variant is pathogenic, but additional data are needed to prove that conclusively. Therefore, this variant has been classified as Likely Pathogenic. ClinVar contains an entry for this variant (Variation ID: 439130). This variant has been observed in individual(s) with autosomal recessive beta thalassemia (PMID: 22862814, 31930713). In at least one individual the data is consistent with being in trans (on the opposite chromosome) from a pathogenic variant. This variant is not present in population databases (gnomAD no frequency). This variant occurs in a non-coding region of the HBB gene. It does not change the encoded amino acid sequence of the HBB protein.

Molecular Genetics Lab, Institute for Medical Research
Classification: Likely pathogenic for Beta-thalassemia HBB/LCRB. Last evaluated: 2026-01-22. Review status: no assertion criteria provided. Collection method: clinical testing. Allele origin: germline. Inheritance: Autosomal recessive inheritance. Affected: yes. Observed: 17 variant alleles, 9 heterozygotes, 8 compound heterozygotes. Clinical features observed: Anemia (HP:0001903). Not counted in ClinVar's aggregate classification.
Comment: The HBB:c.*132C>T mutation is a specific variant located at the polyadenylation cleavage site, marking the final nucleotide of the beta-globin 3’-UTR immediately preceding the poly(A) tail. First identified by Bilgen et al. (2013), this mutation is thought to impair 3’-end processing and RNA cleavage efficiency. This disruption leads to a quantitative reduction in beta-globin synthesis, manifesting as a characteristic silent or mild beta+ thalassemia phenotype.In heterozygous individuals, HBB:c.*132C>T typically presents as a silent carrier state with normal or borderline MCV and HbA2 levels. However, when coinherited with a beta0-thalassemia mutation, it generally results in thalassemia intermedia. Within our Malay cohort, patients harboring HBB:c.*132C>T compounded with either HbE or a beta mutation presented with a mild-to-moderate thalassemia intermedia phenotype.

Literature cited by the submitters: PubMed 35023007 (cited by Quest Diagnostics Nichols Institute San Juan Capistrano); PubMed 31930713 (cited by 3 submitters); PubMed 22862814 (cited by 3 submitters); PubMed 25572186 (cited by Quest Diagnostics Nichols Institute San Juan Capistrano); PubMed 25155404 (cited by Quest Diagnostics Nichols Institute San Juan Capistrano).

NM_000518.5(HBB):c.*132C>T

Genes: HBB (hemoglobin subunit beta; minus strand), LOC107133510 (origin of replication at HBB; plus strand), LOC110006319 (beta-globin gene 3' regulatory region; plus strand). Cytogenetic location: 11p15.4.
Variant type: single nucleotide variant.
Coding change: c.*132C>T on transcript NM_000518.5 (MANE Select); 132 bases downstream of the stop codon, C replaced by T.
Molecular consequence: 3 prime UTR variant.
Genome position (GRCh38, 1-based): chr11:5,225,466, G>A on the plus strand (C>T on the coding strand, the complement: HBB is on the minus strand). VCF-style: chr11-5225466-G-A. GRCh37 (hg19) VCF-style: chr11-5246696-G-A.
Identifiers: ClinVar variation 439130 (VCV000439130.7), dbSNP rs1420779550, ClinGen allele CA645509055.
Genomic context (GRCh38, chr11:5,225,466, plus strand): 5'-CACTGACCTCCCACATTCCCTTTTTAGTAAAATATTCAGAAATAATTTAAATACATCATT[G>A]CAATGAAAATAAATGTTTTTTATTAGGCAGAATCCAGATGCTCAAGGCCCTTCATAATAT-3'